The following is an entry in ClinVar:

NM_139276.3(STAT3):c.2141C>A (p.Thr714Lys)

Gene: STAT3 (signal transducer and activator of transcription 3; minus strand). Cytogenetic location: 17q21.2.
Variant type: single nucleotide variant.
Coding change: c.2141C>A on transcript NM_139276.3 (MANE Select); coding-DNA position 2141, C replaced by A.
Protein change: p.Thr714Lys; replaces threonine 714 with lysine.
Molecular consequence: missense variant. On other transcripts: intron variant (1).
Genome position (GRCh38, 1-based): chr17:42,317,185, G>T on the plus strand (C>A on the coding strand, the complement: STAT3 is on the minus strand). VCF-style: chr17-42317185-G-T. GRCh37 (hg19) VCF-style: chr17-40469203-G-T.
Other names: c.2141C>A, p.Thr714Lys (NM_001369512.1, NM_001369513.1, NM_001369517.1 and 3 more transcripts); c.2138C>A, p.Thr713Lys (NM_001369514.1, NM_001369516.1, NM_001369519.1 and 2 more transcripts); c.2057C>A, p.Thr686Lys (NM_001384984.1); c.2063C>A, p.Thr688Lys (NM_001384985.1); c.2153C>A, p.Thr718Lys (NM_001384986.1); c.2120C>A, p.Thr707Lys (NM_001384987.1); c.2042C>A, p.Thr681Lys (NM_001384989.1); c.2156C>A, p.Thr719Lys (NM_001384990.1); and 3 more; short protein forms T714K, T719K, T688K, T707K, T718K, T681K, T705K, T713K.
Identifiers: ClinVar variation 1929511 (VCV001929511.5), dbSNP rs2081287195, ClinGen allele CA399580176.
Genomic context (GRCh38, chr17:42,317,185, plus strand): 5'-CAGGGATAACTGAGGATATTAGAAATGAAGGCAAAACGGGGAAAGGAAGCCACTTACGGT[G>T]TCACACAGATAAACTTGGTCTTCAGGTATGGGGCAGCGCCTGGGAAGAAGAAAACCAGTT-3'
Protein context (NP_644805.1, residues 704-724): PYLKTKFICV[Thr714Lys]PTTCSNTIDL

ClinVar aggregate classification (germline): Likely pathogenic (1 of 4 stars; one submission).

Conditions:
Hyper-IgE recurrent infection syndrome 1, autosomal dominant. Also called: HYPER-IgE SYNDROME 1, AUTOSOMAL DOMINANT, WITH RECURRENT INFECTIONS; STAT3 Hyper IgE Syndrome; Hyper-IgE recurrent infection syndrome 1; JOB SYNDROME; Job's Syndrome. Identifiers: Orphanet 2314, MedGen C2936739, MONDO:0007818, OMIM 147060.
STAT3 gain of function. Identifiers: MedGen C4288261.

Submission:

Labcorp Genetics (formerly Invitae), Labcorp
Classification: Likely pathogenic for STAT3 gain of function; Hyper-IgE recurrent infection syndrome 1, autosomal dominant. Last evaluated: 2022-08-29. Review status: criteria provided, single submitter. Criteria: Invitae Variant Classification Sherloc (09022015). Collection method: clinical testing. Allele origin: germline.
Comment: In summary, the currently available evidence indicates that the variant is pathogenic, but additional data are needed to prove that conclusively. Therefore, this variant has been classified as Likely Pathogenic. This variant disrupts the p.Thr714 amino acid residue in STAT3. Other variant(s) that disrupt this residue have been determined to be pathogenic (PMID: 20159255, 22084479, 25543043, 28197791). This suggests that this residue is clinically significant, and that variants that disrupt this residue are likely to be disease-causing. Advanced modeling of protein sequence and biophysical properties (such as structural, functional, and spatial information, amino acid conservation, physicochemical variation, residue mobility, and thermodynamic stability) performed at Invitae indicates that this missense variant is expected to disrupt STAT3 protein function. This missense change has been observed in individual(s) with primary immunodeficiency (PMID: 32135276). This variant is not present in population databases (gnomAD no frequency). This sequence change replaces threonine, which is neutral and polar, with lysine, which is basic and polar, at codon 714 of the STAT3 protein (p.Thr714Lys).

Literature cited by the submitters: PubMed 20159255; PubMed 22084479; PubMed 25543043; PubMed 28197791; PubMed 32135276.